The following is an entry in ClinVar:

NM_001199397.3(NEK1):c.8A>G (p.Lys3Arg)

Gene: NEK1 (NIMA related kinase 1; minus strand). Cytogenetic location: 4q33.
Variant type: single nucleotide variant.
Coding change: c.8A>G on transcript NM_001199397.3 (MANE Select); coding-DNA position 8, A replaced by G.
Protein change: p.Lys3Arg; replaces lysine 3 with arginine.
Molecular consequence: missense variant. On other transcripts: non-coding transcript variant (2).
Genome position (GRCh38, 1-based): chr4:169,602,623, T>C on the plus strand (A>G on the coding strand, the complement: NEK1 is on the minus strand). VCF-style: chr4-169602623-T-C. GRCh37 (hg19) VCF-style: chr4-170523774-T-C.
Other names: c.8A>G, p.Lys3Arg (NM_001199398.3, NM_001199399.3, NM_001199400.3 and 7 more transcripts); short protein forms K3R.
Identifiers: ClinVar variation 1360373 (VCV001360373.8), dbSNP rs2150141268, ClinGen allele CA358746572.

ClinVar aggregate classification (germline): Uncertain significance (1 of 4 stars; one submission).

Conditions:
Short-rib thoracic dysplasia 6 with or without polydactyly (SRTD6). Also called: POLYDACTYLY WITH NEONATAL CHONDRODYSTROPHY, TYPE II; SHORT-RIB THORACIC DYSPLASIA 6 WITH POLYDACTYLY; SHORT-RIB THORACIC DYSPLASIA 6 WITHOUT POLYDACTYLY; Majewski Syndrome; SHORT RIB-POLYDACTYLY SYNDROME, TYPE IIA. Identifiers: MedGen C0024507, MONDO:0009894, OMIM 263520.

gnomAD v4.1: 3 of 1,562,292 alleles (0.00019%); highest among the groups gnomAD compares: Non-Finnish European, 0.00026%; no homozygotes.

Submission:

Labcorp Genetics (formerly Invitae), Labcorp
Classification: Uncertain significance for Short-rib thoracic dysplasia 6 with or without polydactyly. Last evaluated: 2022-03-03. Review status: criteria provided, single submitter. Criteria: Invitae Variant Classification Sherloc (09022015). Collection method: clinical testing. Allele origin: germline.
Comment: Algorithms developed to predict the effect of missense changes on protein structure and function (SIFT, PolyPhen-2, Align-GVGD) all suggest that this variant is likely to be disruptive. Algorithms developed to predict the effect of sequence changes on RNA splicing suggest that this variant may create or strengthen a splice site. In summary, the available evidence is currently insufficient to determine the role of this variant in disease. Therefore, it has been classified as a Variant of Uncertain Significance. This variant is not present in population databases (gnomAD no frequency). This variant has not been reported in the literature in individuals affected with NEK1-related conditions. This sequence change replaces lysine, which is basic and polar, with arginine, which is basic and polar, at codon 3 of the NEK1 protein (p.Lys3Arg).